The following is an entry in ClinVar:

NM_000059.4(BRCA2):c.7390C>G (p.Gln2464Glu)

Gene: BRCA2 (BRCA2 DNA repair associated; plus strand). Cytogenetic location: 13q13.1.
Variant type: single nucleotide variant.
Coding change: c.7390C>G on transcript NM_000059.4 (MANE Select); coding-DNA position 7390, C replaced by G.
Protein change: p.Gln2464Glu; replaces glutamine 2464 with glutamic acid.
Molecular consequence: missense variant.
Genome position (GRCh38, 1-based): chr13:32,355,243, C>G. VCF-style: chr13-32355243-C-G. GRCh37 (hg19) VCF-style: chr13-32929380-C-G.
Other names: short protein forms Q2464E.
Identifiers: ClinVar variation 619648 (VCV000619648.16), dbSNP rs572945276, ClinGen allele CA6941087.

ClinVar aggregate classification (germline): Conflicting classifications of pathogenicity. Review status: criteria provided, conflicting classifications (1 of 4 stars). 4 submissions from 4 submitters: Uncertain significance (3); Likely benign (1). Last evaluated 2025-07-27.

Conditions:
Hereditary cancer-predisposing syndrome. Also called: Neoplastic Syndromes, Hereditary; Hereditary neoplastic syndrome; Tumor predisposition; Hereditary Cancer Syndrome. Identifiers: Orphanet 140162, MedGen C0027672, MeSH D009386, MONDO:0015356.
Hereditary breast ovarian cancer syndrome. Also called: Hereditary breast and ovarian cancer; Hereditary breast and ovarian cancer syndrome (HBOC); Breast and ovarian cancer; BRCA1- and BRCA2-Associated Hereditary Breast and Ovarian Cancer; Hereditary breast and/or ovarian cancer syndrome; Hereditary breast and ovarian cancer syndrome. Identifiers: Orphanet 145, MedGen C0677776, MeSH D061325, MONDO:0003582. Disease mechanism: loss of function.

Allele frequency attached by ClinVar (database versions not stated): gnomAD exomes below 0.00001 and 0.00001; gnomAD 0.00001; ExAC 0.00002; 1000 Genomes Project 30x 0.00016; 1000 Genomes Project 0.00020.
gnomAD v4.1: 4 of 1,612,888 alleles (0.00025%); highest among the groups gnomAD compares: African/African-American, 0.004%; no homozygotes.

Submissions (4):

Labcorp Genetics (formerly Invitae), Labcorp
Classification: Uncertain significance for Hereditary breast ovarian cancer syndrome. Last evaluated: 2025-07-27. Review status: criteria provided, single submitter. Criteria: Invitae Variant Classification Sherloc (09022015). Collection method: clinical testing. Allele origin: germline.
Comment: This sequence change replaces glutamine, which is neutral and polar, with glutamic acid, which is acidic and polar, at codon 2464 of the BRCA2 protein (p.Gln2464Glu). This variant is present in population databases (rs572945276, gnomAD 0.01%). This variant has not been reported in the literature in individuals affected with BRCA2-related conditions. ClinVar contains an entry for this variant (Variation ID: 619648). Invitae Evidence Modeling of protein sequence and biophysical properties (such as structural, functional, and spatial information, amino acid conservation, physicochemical variation, residue mobility, and thermodynamic stability) indicates that this missense variant is not expected to disrupt BRCA2 protein function with a negative predictive value of 95%. In summary, the available evidence is currently insufficient to determine the role of this variant in disease. Therefore, it has been classified as a Variant of Uncertain Significance.

Ambry Genetics
Classification: Likely benign for Hereditary cancer-predisposing syndrome. Last evaluated: 2023-11-28. Review status: criteria provided, single submitter. Criteria: Ambry Variant Classification Scheme 2023. Collection method: clinical testing. Allele origin: germline.

Women's Health and Genetics/Laboratory Corporation of America, LabCorp
Classification: Uncertain significance. Last evaluated: 2021-01-07. Review status: criteria provided, single submitter. Criteria: LabCorp Variant Classification Summary - May 2015. Collection method: clinical testing. Allele origin: germline.
Comment: Variant summary: BRCA2 c.7390C>G (p.Gln2464Glu) results in a conservative amino acid change in the encoded protein sequence. Five of five in-silico tools predict a benign effect of the variant on protein function. The variant allele was found at a frequency of 1.2e-05 in 251074 control chromosomes. The available data on variant occurrences in the general population are insufficient to allow any conclusion about variant significance. To our knowledge, no occurrence of c.7390C>G in individuals affected with Hereditary Breast And Ovarian Cancer Syndrome and no experimental evidence demonstrating its impact on protein function have been reported. Two clinical diagnostic laboratories have submitted clinical-significance assessments for this variant to ClinVar after 2014 without evidence for independent evaluation. All laboratories classified the variant as uncertain significance. Based on the evidence outlined above, the variant was classified as uncertain significance.

Quest Diagnostics Nichols Institute San Juan Capistrano
Classification: Uncertain significance. Last evaluated: 2017-10-16. Review status: criteria provided, single submitter. Criteria: Quest Diagnostics criteria. Collection method: clinical testing. Allele origin: germline.